The following is an entry in ClinVar:

NM_000492.4(CFTR):c.1052C>G (p.Thr351Ser)

Gene: CFTR (CF transmembrane conductance regulator; plus strand). Cytogenetic location: 7q31.2.
Variant type: single nucleotide variant.
Coding change: c.1052C>G on transcript NM_000492.4 (MANE Select); coding-DNA position 1052, C replaced by G.
Protein change: p.Thr351Ser; replaces threonine 351 with serine.
Molecular consequence: missense variant.
Genome position (GRCh38, 1-based): chr7:117,540,282, C>G. VCF-style: chr7-117540282-C-G. GRCh37 (hg19) VCF-style: chr7-117180336-C-G.
Other names: short protein forms T351S.
Identifiers: ClinVar variation 53174 (VCV000053174.94), dbSNP rs1800086, ClinGen allele CA326377.

ClinVar aggregate classification (germline): Conflicting classifications of pathogenicity. Review status: criteria provided, conflicting classifications (1 of 4 stars). 17 submissions from 16 submitters: Uncertain significance (14); Likely benign (2). 1 of the submissions does not count toward it. Last evaluated 2026-04-14.

Conditions:
CFTR-related disorder (CFTR-RD). Also called: CFTR-related disorders; CFTR-related condition. Identifiers: MedGen C5924204, MONDO:7770004.
Cystic fibrosis (CF). Also called: MUCOVISCIDOSIS. Identifiers: Orphanet 586, MedGen C0010674, MONDO:0009061, OMIM 219700. Disease mechanism: loss of function.

Allele frequency attached by ClinVar (database versions not stated): ESP Exome Variant Server 0.00008; TOPMed 0.00025; 1000 Genomes Project 0.00120; 1000 Genomes Project 30x 0.00172.

Submissions 1 to 5 of 17:

PreventionGenetics, part of Exact Sciences
Classification: Uncertain significance for CFTR-related condition. Last evaluated: 2026-04-14. Review status: criteria provided, single submitter. Criteria: ACMG Guidelines, 2015. Collection method: clinical testing. Allele origin: germline.
Comment: The CFTR c.1052C>G variant is predicted to result in the amino acid substitution p.Thr351Ser. This variant has been reported in the heterozygous state in an individual with idiopathic chronic pancreatitis and in an individual with clinical manifestations consistent with the spectrum of CF (Table S1, Masson. 2013. PubMed ID: 23951356; Schrijver et al. 2005. PubMed ID: 15858154). This variant has also been reported in the compound heterozygous state with a p.Phe508del variant in an individual with congenital bilateral absence of vas deferens (CBAVD) (Doerk et al. 1997. Table 3 PubMed ID: 9272157) and in the homozygous state (and in cis with another CFTR variant) in an individual with a CFTR-related disorder (Table S3, Trujillano. 2013. PubMed ID: 23687349). In one individual with CF, this variant was one of three identified, and was in cis with a p.Phe508del variant (Dal'Maso et al. 2013 Table 3 PubMed ID: 23670503). One in vitro functional study of transepithelial current clamp conductance assay using Fisher Rat Thyroid cells showed ~82% total protein produced; however, baseline function was ~46% of wild type (Bihler et al. 2024. PubMed ID: 38388235). A second patch-clamp study using HeLa cells showed no effect/impact on splicing, mRNA expression, protein folding, or chloride secretion (Bergougnoux et al. 2022. PubMed ID: 36567205). This variant has conflicting classifications listed in ClinVar ranging from benign to uncertain (ClinVar ID: 53174). This variant is reported in 0.068% of alleles in individuals of Ashkenazi Jewish descent in gnomAD. At this time, the clinical significance of this variant is uncertain due to the absence of conclusive functional and genetic evidence.

Women's Health and Genetics/Laboratory Corporation of America, LabCorp
Classification: Uncertain significance. Last evaluated: 2026-01-18. Review status: criteria provided, single submitter. Criteria: LabCorp Variant Classification Summary - May 2015. Collection method: clinical testing. Allele origin: germline.
Comment: Variant summary: CFTR c.1052C>G (p.Thr351Ser) results in a conservative amino acid change located in the ABC transporter type 1, transmembrane domain (IPR036640) of the encoded protein sequence. Algorithms developed to predict the effect of missense changes on protein structure and function are either unavailable or do not agree on the potential impact of this missense change. The variant allele was found at a frequency of 0.00019 in 251542 control chromosomes. This frequency is not significantly higher than estimated for disease-causing variants in CFTR, allowing no conclusion about variant significance. c.1052C>G has been observed in individuals affected with Cystic Fibrosis, CBAVD, chronic pancreatitis and diffuse bronchiectasis, without strong evidence of causality (Mercier_1993, Dork_1997, Schrijver_2005, Bienvenu_2010, de Cid_2010, Dal Maso_2013, Masson_2013, Trujillano_2013, Grangeia_2018, Rispoli_2020, da Silva Filho_2021, Dermine_2024). These reports do not provide unequivocal conclusions about association of the variant with Cystic Fibrosis. At-least two co-occurrences in cis with other pathogenic variants have been reported (e.g. CFTR c.3484C>T, p.Arg1162X; CFTR c.1521_1523del, p.Phe508del) (Mercier_1993, Dal Maso_2013), providing supporting evidence for a benign role. One of these reports was in an obligate carrier father of an individual with CF (in cis with p.Arg1162X, Mercier_1993) while the other was in an individual reportedly affected with CF who harbored a non-informative genotype attributed to a synonymous variant (p.Pro1290=) in trans (in cis with p.Phe508del, Del Maso_2013). At least two publications report experimental evidence evaluating an impact on protein function (Bergougnoux_2023, Bihler_2024). The variant did not show any deleterious impact on mRNA or protein expression and Western blot results were not suggestive of a folding defect. However, the most pronounced variant effect resulted in approximately 46% of normal chloride channel conductance relative to wild type (e.g. Bihler_2024). The following publications have been ascertained in the context of this evaluation (PMID: 36567205, 20167849, 38388235, 33572515, 23670503, 38657903, 20059485, 9272157, 18716917, 29589582, 16128988, 23951356, 8477260, 25735457, 32185651, 15858154, 23687349, 32819855, 19812525). ClinVar contains an entry for this variant (Variation ID: 53174). Based on the evidence outlined above, the variant was classified as uncertain significance.

CeGaT Center for Human Genetics Tuebingen
Classification: Uncertain significance. Last evaluated: 2026-01-01. Review status: criteria provided, single submitter. Criteria: CeGaT Center For Human Genetics Tuebingen Variant Classification Criteria Version 2. Collection method: clinical testing. Allele origin: germline. Affected: yes. Observed: 2 variant alleles.

Quest Diagnostics Nichols Institute San Juan Capistrano
Classification: Uncertain significance. Last evaluated: 2025-08-12. Review status: criteria provided, single submitter. Criteria: Quest Diagnostics criteria. Collection method: clinical testing. Allele origin: unknown.
Comment: The CFTR c.1052C>G (p.Thr351Ser) variant has been reported in the published literature in individuals with Cystic Fibrosis (PMIDs: 8477260 (1993), 15858154 (2005), 23670503 (2013), 32819855 (2020)) or CFTR-related disorders (PMIDs: 9272157 (1997), 20167849 (2010), 19812525 (2010), 23951356 (2013), 34996830 (2022), 38657903 (2024)). Functional studies showed that this variant has no impact on splicing, mRNA expression level, CFTR protein folding, chloride secretion or CFTR chloride channel function (PMID: 36567205 (2022)). However, a more recent study indicated that this variant results in reduced chloride channel conductance relative to wild type (approximately 46% of normal) (PMID: 38388235 (2024)). The frequency of this variant in the general population (Genome Aggregation Database) is uninformative in the assessment of its pathogenicity. Based on the available information, we are unable to determine the clinical significance of this variant.

ARUP Laboratories, Molecular Genetics and Genomics, ARUP Laboratories
Classification: Uncertain significance. Last evaluated: 2025-04-15. Review status: criteria provided, single submitter. Criteria: ARUP Molecular Germline Variant Investigation Process 2024. Collection method: clinical testing. Allele origin: germline.
Comment: The CFTR c.1052C>G; p.Thr351Ser variant (rs1800086, ClinVar Variation ID: 53174) is reported in the literature in individuals affected with cystic fibrosis (Schrijver 2005) or a CFTR-related disorder (CFTR-RD; de Cid 2010, Larriba 2005, Masson 2013). While a few CFTR-RD patients also carried a pathogenic CFTR variant (Masson 2013), the p.Thr351Ser variant has been reported on the same chromosome as other CFTR variants, so the contribution to disease is uncertain (Bienvenu 2010, Dal'Maso 2013, Trujillano 2013). This variant is found in the general population with an overall allele frequency of 0.017% (48/282554 alleles) in the Genome Aggregation Database (v2.1.1). In vitro functional analyses showed no significant difference in splicing, protein synthesis/folding or chloride secretion compared to wildtype (Bergougnoux 2023). Computational analyses predict that this variant is deleterious (REVEL: 0.773). Due to conflicting information, the clinical significance of the p.Thr351Ser variant is uncertain at this time. References: Bergougnoux A et al. The multi-faceted nature of 15 CFTR exonic variations: Impact on their functional classification and perspectives for therapy. J Cyst Fibros. 2023 May;22(3):515-524. PMID: 36567205. Bienvenu T et al. Cystic fibrosis transmembrane conductance regulator channel dysfunction in non-cystic fibrosis bronchiectasis. Am J Respir Crit Care Med. 2010 May 15;181(10):1078-84. PMID: 20167849. Dal'Maso VB et al. Diagnostic contribution of molecular analysis of the cystic fibrosis transmembrane conductance regulator gene in patients suspected of having mild or atypical cystic fibrosis. J Bras Pneumol. 2013 Mar-Apr;39(2):181-9. PMID: 23670503. de Cid R et al. Independent contribution of common CFTR variants to chronic pancreatitis. Pancreas. 2010 Mar;39(2):209-15. PMID: 19812525. Larriba S et al. Molecular evaluation of CFTR sequence variants in male infertility of testicular origin. Int J Androl. 2005 Oct;28(5):284-90. PMID: 16128988. Masson E et al. A conservative assessment of the major genetic causes of idiopathic chronic pancreatitis: data from a comprehensive analysis of PRSS1, SPINK1, CTRC and CFTR genes in 253 young French patients. PLoS One. 2013 Aug;8(8):e73522. PMID: 23951356. Schrijver I et al. Diagnostic testing by CFTR gene mutation analysis in a large group of Hispanics: novel mutations and assessment of a population-specific mutation spectrum. J Mol Diagn. 2005 May;7(2):289-99. PMID: 15858154. Trujillano D et al. Next generation diagnostics of cystic fibrosis and CFTR-related disorders by targeted multiplex high-coverage resequencing of CFTR. J Med Genet. 2013 Jul;50(7):455-62. PMID: 23687349.